The following is an entry in ClinVar:

ClinVar aggregate classification (germline): Uncertain significance (1 of 4 stars; one submission).

Conditions:
Charcot-Marie-Tooth disease type 4. Also called: Charcot-Marie-Tooth disease, type IV; Charcot-Marie-Tooth, Type 4. Identifiers: Orphanet 64749, MedGen C4082197, MONDO:0018995.

Allele frequency attached by ClinVar (database versions not stated): gnomAD exomes below 0.00001; gnomAD 0.00001; TOPMed 0.00001.

Submission:

Labcorp Genetics (formerly Invitae), Labcorp
Classification: Uncertain significance for Charcot-Marie-Tooth disease type 4. Last evaluated: 2023-12-04. Review status: criteria provided, single submitter. Criteria: Invitae Variant Classification Sherloc (09022015). Collection method: clinical testing. Allele origin: germline.
Comment: This sequence change replaces valine, which is neutral and non-polar, with isoleucine, which is neutral and non-polar, at codon 1306 of the PRX protein (p.Val1306Ile). This variant is not present in population databases (gnomAD no frequency). This variant has not been reported in the literature in individuals affected with PRX-related conditions. Advanced modeling of protein sequence and biophysical properties (such as structural, functional, and spatial information, amino acid conservation, physicochemical variation, residue mobility, and thermodynamic stability) performed at Invitae indicates that this missense variant is not expected to disrupt PRX protein function with a negative predictive value of 80%. In summary, the available evidence is currently insufficient to determine the role of this variant in disease. Therefore, it has been classified as a Variant of Uncertain Significance.

NM_181882.3(PRX):c.3916G>A (p.Val1306Ile)

Gene: PRX (periaxin; minus strand). Cytogenetic location: 19q13.2.
Variant type: single nucleotide variant.
Coding change: c.3916G>A on transcript NM_181882.3 (MANE Select); coding-DNA position 3916, G replaced by A.
Protein change: p.Val1306Ile; replaces valine 1306 with isoleucine.
Molecular consequence: missense variant. On other transcripts: 3 prime UTR variant (1).
Genome position (GRCh38, 1-based): chr19:40,394,436, C>T on the plus strand (G>A on the coding strand, the complement: PRX is on the minus strand). VCF-style: chr19-40394436-C-T. GRCh37 (hg19) VCF-style: chr19-40900343-C-T.
Other names: c.4201G>A, p.Val1401Ile (NM_001411127.1); c.*4121G>A (NM_020956.2); short protein forms V1306I, V1401I.
Identifiers: ClinVar variation 2733666 (VCV002733666.3), dbSNP rs1458615944, ClinGen allele CA405891645.